The following is an entry in ClinVar:

ClinVar aggregate classification (germline): Uncertain significance (1 of 4 stars; one submission).

Conditions:
Giant axonal neuropathy 1 (GAN1). Also called: GIANT AXONAL NEUROPATHY 1, AUTOSOMAL RECESSIVE; GAN-Related Neurodegeneration. Identifiers: Orphanet 643, MedGen C1850386, MONDO:0009749, OMIM 256850.

Allele frequency attached by ClinVar (database versions not stated): gnomAD exomes below 0.00001 and 0.00001; ExAC 0.00001; gnomAD 0.00001; TOPMed 0.00001.
gnomAD v4.1: 7 of 1,613,758 alleles (0.00043%); highest among the groups gnomAD compares: East Asian, 0.0022%; no homozygotes.

Submission:

Labcorp Genetics (formerly Invitae), Labcorp
Classification: Uncertain significance for Giant axonal neuropathy 1. Last evaluated: 2022-04-30. Review status: criteria provided, single submitter. Criteria: Invitae Variant Classification Sherloc (09022015). Collection method: clinical testing. Allele origin: germline.
Comment: Algorithms developed to predict the effect of missense changes on protein structure and function (SIFT, PolyPhen-2, Align-GVGD) all suggest that this variant is likely to be tolerated. This variant has not been reported in the literature in individuals affected with GAN-related conditions. This variant is present in population databases (rs757050107, gnomAD 0.006%). This sequence change replaces methionine, which is neutral and non-polar, with valine, which is neutral and non-polar, at codon 426 of the GAN protein (p.Met426Val). In summary, the available evidence is currently insufficient to determine the role of this variant in disease. Therefore, it has been classified as a Variant of Uncertain Significance. Algorithms developed to predict the effect of sequence changes on RNA splicing suggest that this variant may create or strengthen a splice site.

NM_022041.4(GAN):c.1276A>G (p.Met426Val)

Gene: GAN (gigaxonin; plus strand). Cytogenetic location: 16q23.2.
Variant type: single nucleotide variant.
Coding change: c.1276A>G on transcript NM_022041.4 (MANE Select); coding-DNA position 1276, A replaced by G.
Protein change: p.Met426Val; replaces methionine 426 with valine.
Molecular consequence: missense variant.
Genome position (GRCh38, 1-based): chr16:81,365,013, A>G. VCF-style: chr16-81365013-A-G. GRCh37 (hg19) VCF-style: chr16-81398618-A-G.
Other names: c.637A>G, p.Met213Val (NM_001377486.1); short protein forms M426V, M213V.
Identifiers: ClinVar variation 1433495 (VCV001433495.6), dbSNP rs757050107, ClinGen allele CA8191697.